The following is an entry in ClinVar:

ClinVar aggregate classification (germline): Likely benign. Review status: criteria provided, multiple submitters, no conflicts (2 of 4 stars). 2 submissions from 2 submitters: Likely benign (2). Last evaluated 2026-01-15.

Allele frequency attached by ClinVar (database versions not stated): gnomAD 0.00001; TOPMed 0.00002; gnomAD exomes 0.00003; ExAC 0.00004.
gnomAD v4.1: 55 of 1,612,500 alleles (0.0034%); highest among the groups gnomAD compares: Middle Eastern, 0.033%; no homozygotes.

Submissions (2):

Labcorp Genetics (formerly Invitae), Labcorp
Classification: Likely benign. Last evaluated: 2026-01-15. Review status: criteria provided, single submitter. Criteria: Invitae Variant Classification Sherloc (09022015). Collection method: clinical testing. Allele origin: germline.

CeGaT Center for Human Genetics Tuebingen
Classification: Likely benign. Last evaluated: 2023-03-01. Review status: criteria provided, single submitter. Criteria: CeGaT Center For Human Genetics Tuebingen Variant Classification Criteria Version 2. Collection method: clinical testing. Allele origin: germline. Affected: yes. Observed: 1 variant allele.
Comment: PLVAP: BP4, BP7

NM_031310.3(PLVAP):c.978G>A (p.Glu326=)

Gene: PLVAP (plasmalemma vesicle associated protein; minus strand). Cytogenetic location: 19p13.11.
Variant type: single nucleotide variant.
Coding change: c.978G>A on transcript NM_031310.3 (MANE Select); coding-DNA position 978, G replaced by A.
Protein change: p.Glu326=; no amino-acid change (glutamic acid 326 retained).
Molecular consequence: synonymous variant.
Genome position (GRCh38, 1-based): chr19:17,365,487, C>T on the plus strand (G>A on the coding strand, the complement: PLVAP is on the minus strand). VCF-style: chr19-17365487-C-T. GRCh37 (hg19) VCF-style: chr19-17476296-C-T.
Identifiers: ClinVar variation 2188600 (VCV002188600.28), dbSNP rs778477668, ClinGen allele CA9293918.